The following is an entry in ClinVar:

ClinVar aggregate classification (germline): Likely benign (1 of 4 stars; one submission).

Conditions:
Catecholaminergic polymorphic ventricular tachycardia (CVPT). Also called: Catecholamine-induced polymorphic ventricular tachycardia. Identifiers: Orphanet 3286, MedGen C5574922, MONDO:0017990.

Allele frequency attached by ClinVar (database versions not stated): gnomAD exomes below 0.00001; TOPMed below 0.00001; gnomAD 0.00001.
gnomAD v4.1: 3 of 1,608,648 alleles (0.00019%); highest among the groups gnomAD compares: Non-Finnish European, 0.00025%; no homozygotes.

Submission:

All of Us Research Program, National Institutes of Health
Classification: Likely benign for Catecholaminergic polymorphic ventricular tachycardia. Last evaluated: 2023-12-13. Review status: criteria provided, single submitter. Criteria: ACMG Guidelines, 2015. Collection method: clinical testing. Allele origin: germline. Inheritance: Autosomal dominant inheritance. Observed: 1 variant allele, 1 heterozygote.
Comment: This study involves interpretation of variants in research participants for the purpose of population health screening. Participant phenotype was not available at the time of variant classification. Additional details can be found in publication PMID: 35346344, PMCID: PMC8962531

NM_001035.3(RYR2):c.7504T>C (p.Leu2502=)

Gene: RYR2 (ryanodine receptor 2; plus strand). Cytogenetic location: 1q43.
Variant type: single nucleotide variant.
Coding change: c.7504T>C on transcript NM_001035.3 (MANE Select); coding-DNA position 7504, T replaced by C.
Protein change: p.Leu2502=; no amino-acid change (leucine 2502 retained).
Molecular consequence: synonymous variant.
Genome position (GRCh38, 1-based): chr1:237,648,605, T>C. VCF-style: chr1-237648605-T-C. GRCh37 (hg19) VCF-style: chr1-237811905-T-C.
Identifiers: ClinVar variation 3074923 (VCV003074923.1), dbSNP rs1357274100, ClinGen allele CA423819777.